The following is an entry in ClinVar:

ClinVar aggregate classification (germline): Likely benign (0 of 4 stars; one submission).

Conditions:
PLXNB1-related disorder. Also called: PLXNB1-related condition.

Allele frequency attached by ClinVar (database versions not stated): gnomAD exomes 0.00011; gnomAD 0.00025; TOPMed 0.00028; ExAC 0.00054; 1000 Genomes Project 30x 0.00187; 1000 Genomes Project 0.00200.
gnomAD v4.1: 197 of 1,613,844 alleles (0.012%); highest among the groups gnomAD compares: East Asian, 0.41%; 1 homozygote.

Submission:

PreventionGenetics, part of Exact Sciences
Classification: Likely benign for PLXNB1-related condition. Last evaluated: 2019-02-20. Review status: no assertion criteria provided. Collection method: clinical testing. Allele origin: germline.
Comment: This variant is classified as likely benign based on ACMG/AMP sequence variant interpretation guidelines (Richards et al. 2015 PMID: 25741868, with internal and published modifications).

NM_001130082.3(PLXNB1):c.1126C>T (p.Pro376Ser)

Gene: PLXNB1 (plexin B1; minus strand). Cytogenetic location: 3p21.31.
Variant type: single nucleotide variant.
Coding change: c.1126C>T on transcript NM_001130082.3 (MANE Select); coding-DNA position 1126, C replaced by T.
Protein change: p.Pro376Ser; replaces proline 376 with serine.
Molecular consequence: missense variant.
Genome position (GRCh38, 1-based): chr3:48,422,929, G>A on the plus strand (C>T on the coding strand, the complement: PLXNB1 is on the minus strand). VCF-style: chr3-48422929-G-A. GRCh37 (hg19) VCF-style: chr3-48464338-G-A.
Other names: c.1126C>T, p.Pro376Ser (NM_002673.6); short protein forms P376S.
Identifiers: ClinVar variation 3057303 (VCV003057303.2), dbSNP rs200514394, ClinGen allele CA2375192.